The following is an entry in ClinVar:

NM_174936.4(PCSK9):c.535C>G (p.Leu179Val)

Gene: PCSK9 (proprotein convertase subtilisin/kexin type 9; plus strand). Cytogenetic location: 1p32.3.
Variant type: single nucleotide variant.
Coding change: c.535C>G on transcript NM_174936.4 (MANE Select); coding-DNA position 535, C replaced by G.
Protein change: p.Leu179Val; replaces leucine 179 with valine.
Molecular consequence: missense variant. On other transcripts: non-coding transcript variant (8).
Genome position (GRCh38, 1-based): chr1:55,052,289, C>G. VCF-style: chr1-55052289-C-G. GRCh37 (hg19) VCF-style: chr1-55517962-C-G.
Other names: c.658C>G, p.Leu220Val (NM_001407240.1); c.535C>G, p.Leu179Val (NM_001407241.1, NM_001407242.1, NM_001407244.1 and 1 more transcripts); c.478C>G, p.Leu160Val (NM_001407243.1); c.343C>G, p.Leu115Val (NM_001407245.1); c.160C>G, p.Leu54Val (NM_001407246.1); short protein forms L160V, L54V, L220V, L115V, L179V.
Identifiers: ClinVar variation 3929786 (VCV003929786.1).

ClinVar aggregate classification (germline): Uncertain significance (1 of 4 stars; one submission).

Conditions:
Cardiovascular phenotype. Identifiers: MedGen CN230736.

gnomAD v4.1: 3 of 1,613,956 alleles (0.00019%); highest among the groups gnomAD compares: African/African-American, 0.0013%; no homozygotes.

Submission:

Ambry Genetics
Classification: Uncertain significance for Cardiovascular phenotype. Last evaluated: 2025-04-12. Review status: criteria provided, single submitter. Criteria: Ambry Variant Classification Scheme 2023. Collection method: clinical testing. Allele origin: germline.
Comment: The p.L179V variant (also known as c.535C>G), located in coding exon 4 of the PCSK9 gene, results from a C to G substitution at nucleotide position 535. The leucine at codon 179 is replaced by valine, an amino acid with highly similar properties. This amino acid position is conserved. In addition, this alteration is predicted to be tolerated by in silico analysis. Based on the available evidence, the clinical significance of this variant remains unclear.